The following is an entry in ClinVar:

NM_207346.3(TSEN54):c.1270A>G (p.Ile424Val)

Gene: TSEN54 (tRNA splicing endonuclease subunit 54; plus strand). Cytogenetic location: 17q25.1.
Variant type: single nucleotide variant.
Coding change: c.1270A>G on transcript NM_207346.3 (MANE Select); coding-DNA position 1270, A replaced by G.
Protein change: p.Ile424Val; replaces isoleucine 424 with valine.
Molecular consequence: missense variant.
Genome position (GRCh38, 1-based): chr17:75,523,292, A>G. VCF-style: chr17-75523292-A-G. GRCh37 (hg19) VCF-style: chr17-73519373-A-G.
Other names: short protein forms I424V.
Identifiers: ClinVar variation 1969433 (VCV001969433.2), dbSNP rs750712674, ClinGen allele CA401030480.

ClinVar aggregate classification (germline): Uncertain significance (1 of 4 stars; one submission).

gnomAD v4.1: 4 of 1,614,132 alleles (0.00025%); highest among the groups gnomAD compares: Admixed American, 0.0067%; no homozygotes.

Submission:

Labcorp Genetics (formerly Invitae), Labcorp
Classification: Uncertain significance. Last evaluated: 2022-09-27. Review status: criteria provided, single submitter. Criteria: Invitae Variant Classification Sherloc (09022015). Collection method: clinical testing. Allele origin: germline.
Comment: This sequence change replaces isoleucine, which is neutral and non-polar, with valine, which is neutral and non-polar, at codon 424 of the TSEN54 protein (p.Ile424Val). This variant is not present in population databases (gnomAD no frequency). This variant has not been reported in the literature in individuals affected with TSEN54-related conditions. Advanced modeling of protein sequence and biophysical properties (such as structural, functional, and spatial information, amino acid conservation, physicochemical variation, residue mobility, and thermodynamic stability) performed at Invitae indicates that this missense variant is not expected to disrupt TSEN54 protein function. In summary, the available evidence is currently insufficient to determine the role of this variant in disease. Therefore, it has been classified as a Variant of Uncertain Significance.